The following is an entry in ClinVar:

ClinVar aggregate classification (germline): Pathogenic (1 of 4 stars; one submission).

Submission:

Labcorp Genetics (formerly Invitae), Labcorp
Classification: Pathogenic. Last evaluated: 2019-03-05. Review status: criteria provided, single submitter. Criteria: Invitae Variant Classification Sherloc (09022015). Collection method: clinical testing. Allele origin: germline.
Comment: This sequence change creates a premature translational stop signal (p.Gly1182*) in the ALPK3 gene. It is expected to result in an absent or disrupted protein product. For these reasons, this variant has been classified as Pathogenic. Loss-of-function variants in ALPK3 are known to be pathogenic (PMID: 21441111, 26846950, 27106955). Algorithms developed to predict the effect of sequence changes on RNA splicing suggest that this variant may create or strengthen a splice site, but this prediction has not been confirmed by published transcriptional studies. The data is consistent with the variant being in trans (on the opposite chromosome) from a pathogenic variant. This variant is not present in population databases (ExAC no frequency).

Literature cited by the submitters: PubMed 21441111; PubMed 26846950; PubMed 27106955.

NM_020778.5(ALPK3):c.2938G>T (p.Gly980Ter)

Gene: ALPK3 (alpha kinase 3; plus strand). Cytogenetic location: 15q25.3.
Variant type: single nucleotide variant.
Coding change: c.2938G>T on transcript NM_020778.5 (MANE Select); coding-DNA position 2938, G replaced by T.
Protein change: p.Gly980Ter; replaces glycine 980 with a stop codon.
Molecular consequence: nonsense.
Genome position (GRCh38, 1-based): chr15:84,857,676, G>T. VCF-style: chr15-84857676-G-T. GRCh37 (hg19) VCF-style: chr15-85400907-G-T.
Other names: short protein forms G1182*, G980*.
Identifiers: ClinVar variation 648290 (VCV000648290.10), dbSNP rs1596155634, ClinGen allele CA393359285.